The following is an entry in ClinVar:

NM_002968.3(SALL1):c.2984G>A (p.Arg995Gln)

Gene: SALL1 (spalt like transcription factor 1; minus strand). Cytogenetic location: 16q12.1.
Variant type: single nucleotide variant.
Coding change: c.2984G>A on transcript NM_002968.3 (MANE Select); coding-DNA position 2984, G replaced by A.
Protein change: p.Arg995Gln; replaces arginine 995 with glutamine.
Molecular consequence: missense variant.
Genome position (GRCh38, 1-based): chr16:51,139,238, C>T on the plus strand (G>A on the coding strand, the complement: SALL1 is on the minus strand). VCF-style: chr16-51139238-C-T. GRCh37 (hg19) VCF-style: chr16-51173149-C-T.
Other names: c.2693G>A, p.Arg898Gln (NM_001127892.2); short protein forms R898Q, R995Q.
Identifiers: ClinVar variation 5041263 (VCV005041263.1).

ClinVar aggregate classification (germline): Likely benign (1 of 4 stars; one submission).

gnomAD v4.1: 61 of 1,614,058 alleles (0.0038%); highest among the groups gnomAD compares: African/African-American, 0.012%; no homozygotes.

Submission:

CeGaT Center for Human Genetics Tuebingen
Classification: Likely benign. Last evaluated: 2026-09-01. Review status: criteria provided, single submitter. Criteria: CeGaT Center For Human Genetics Tuebingen Variant Classification Criteria Version 2. Collection method: clinical testing. Allele origin: germline. Affected: yes. Observed: 1 variant allele.
Comment: SALL1: BS1